The following is an entry in ClinVar:

ClinVar aggregate classification (germline): Uncertain significance. Review status: criteria provided, multiple submitters, no conflicts (2 of 4 stars). 2 submissions from 2 submitters: Uncertain significance (2). Last evaluated 2024-08-30.

Conditions:
Ehlers-Danlos syndrome, classic type, 1 (EDSCL1). Also called: EHLERS-DANLOS SYNDROME, GRAVIS TYPE; EHLERS-DANLOS SYNDROME, SEVERE CLASSIC TYPE; Ehlers-Danlos syndrome, type 1; Ehlers-Danlos Syndrome, Classic Type, COL5A1-Related; EDS I. Identifiers: MedGen C0268335, MONDO:0019567, OMIM 130000.
Osteogenesis imperfecta type I (OI1). Also called: OI, TYPE I; OSTEOGENESIS IMPERFECTA TARDA; OSTEOGENESIS IMPERFECTA WITH BLUE SCLERAE; Osteogenesis imperfecta type 1; Lobstein's Disease; Lobstein disease. Identifiers: Orphanet 216796, Orphanet 666, MedGen C0023931, MONDO:0008146, OMIM 166200. Disease mechanism: loss of function.

Allele frequency attached by ClinVar (database versions not stated): TOPMed 0.00001; gnomAD exomes 0.00001; gnomAD 0.00001.

Submissions (2):

GeneDx
Classification: Uncertain significance. Last evaluated: 2024-08-30. Review status: criteria provided, single submitter. Criteria: GeneDx Variant Classification Process June 2021. Collection method: clinical testing. Allele origin: germline. Affected: yes.
Comment: Has not been previously published as pathogenic or benign to our knowledge; Not observed at significant frequency in large population cohorts (gnomAD); Occurs in the triple helical domain at the X position in the canonical Gly-X-Y repeat; although this variant may have an effect on normal protein folding and function, missense substitution at the X position is not a common mechanism of disease (HGMD); In silico analysis indicates that this missense variant does not alter protein structure/function

Labcorp Genetics (formerly Invitae), Labcorp
Classification: Uncertain significance for Osteogenesis imperfecta type I; Ehlers-Danlos syndrome, classic type, 1. Last evaluated: 2021-07-21. Review status: criteria provided, single submitter. Criteria: Invitae Variant Classification Sherloc (09022015). Collection method: clinical testing. Allele origin: germline.
Comment: In summary, the available evidence is currently insufficient to determine the role of this variant in disease. Therefore, it has been classified as a Variant of Uncertain Significance. Advanced modeling of protein sequence and biophysical properties (such as structural, functional, and spatial information, amino acid conservation, physicochemical variation, residue mobility, and thermodynamic stability) performed at Invitae indicates that this missense variant is not expected to disrupt COL1A2 protein function. This variant has not been reported in the literature in individuals affected with COL1A2-related conditions. This variant is not present in population databases (ExAC no frequency). This sequence change replaces valine with glycine at codon 752 of the COL1A2 protein (p.Val752Gly). The valine residue is weakly conserved and there is a moderate physicochemical difference between valine and glycine.

NM_000089.4(COL1A2):c.2255T>G (p.Val752Gly)

Gene: COL1A2 (collagen type I alpha 2 chain; plus strand). Cytogenetic location: 7q21.3.
Variant type: single nucleotide variant.
Coding change: c.2255T>G on transcript NM_000089.4 (MANE Select); coding-DNA position 2255, T replaced by G.
Protein change: p.Val752Gly; replaces valine 752 with glycine.
Molecular consequence: missense variant.
Genome position (GRCh38, 1-based): chr7:94,420,608, T>G. VCF-style: chr7-94420608-T-G. GRCh37 (hg19) VCF-style: chr7-94049920-T-G.
Other names: c.2255T>G (NM_000089.3); short protein forms V752G.
Identifiers: ClinVar variation 1396960 (VCV001396960.9), dbSNP rs1205884799, ClinGen allele CA368223572.